The following is an entry in ClinVar:

ClinVar aggregate classification (germline): Pathogenic (1 of 4 stars; one submission).

Submission:

GeneDx
Classification: Pathogenic. Last evaluated: 2023-03-02. Review status: criteria provided, single submitter. Criteria: GeneDx Variant Classification Process June 2021. Collection method: clinical testing. Allele origin: germline. Affected: yes.
Comment: Nonsense variant predicted to result in protein truncation or nonsense mediated decay in a gene for which loss of function is a known mechanism of disease; Not observed at significant frequency in large population cohorts (gnomAD); This variant is associated with the following publications: (PMID: 22317976)

NM_001371623.1(TCOF1):c.3163C>T (p.Gln1055Ter)

Gene: TCOF1 (treacle ribosome biogenesis factor 1; plus strand). Cytogenetic location: 5q32.
Variant type: single nucleotide variant.
Coding change: c.3163C>T on transcript NM_001371623.1 (MANE Select); coding-DNA position 3163, C replaced by T.
Protein change: p.Gln1055Ter; replaces glutamine 1055 with a stop codon.
Molecular consequence: nonsense.
Genome position (GRCh38, 1-based): chr5:150,390,003, C>T. VCF-style: chr5-150390003-C-T. GRCh37 (hg19) VCF-style: chr5-149769566-C-T.
Other names: c.2932C>T, p.Gln978Ter (NM_000356.4, NM_001135245.2); c.3163C>T, p.Gln1055Ter (NM_001135243.2, NM_001135244.2, NM_001195141.2); short protein forms Q1055*, Q978*.
Identifiers: ClinVar variation 2578296 (VCV002578296.1), dbSNP rs2534214205, ClinGen allele CA361733441.